The following is an entry in ClinVar:

NM_014008.5(CCDC22):c.659G>A (p.Arg220Gln)

Gene: CCDC22 (CCC complex scaffolding subunit CCDC22; plus strand). Cytogenetic location: Xp11.23.
Variant type: single nucleotide variant.
Coding change: c.659G>A on transcript NM_014008.5 (MANE Select); coding-DNA position 659, G replaced by A.
Protein change: p.Arg220Gln; replaces arginine 220 with glutamine.
Molecular consequence: missense variant.
Genome position (GRCh38, 1-based): chrX:49,243,407, G>A. VCF-style: chrX-49243407-G-A. GRCh37 (hg19) VCF-style: chrX-49099873-G-A.
Other names: short protein forms R220Q.
Identifiers: ClinVar variation 128627 (VCV000128627.27), dbSNP rs201088755, ClinGen allele CA230966.

ClinVar aggregate classification (germline): Conflicting classifications of pathogenicity. Review status: criteria provided, conflicting classifications (1 of 4 stars). 5 submissions from 5 submitters: Uncertain significance (1); Likely benign (1). 3 of the submissions do not count toward it. Last evaluated 2024-09-01.

Allele frequency attached by ClinVar (database versions not stated): ESP Exome Variant Server 0.00009; TOPMed 0.00023; gnomAD 0.00024 and 0.00025; gnomAD exomes 0.00029; ExAC 0.00030; 1000 Genomes Project 30x 0.00042; 1000 Genomes Project 0.00053.
gnomAD v4.1: 273 of 1,202,312 alleles (0.023%); highest among the groups gnomAD compares: Middle Eastern, 0.19%; no homozygotes.

Submissions (5):

CeGaT Center for Human Genetics Tuebingen
Classification: Likely benign. Last evaluated: 2024-09-01. Review status: criteria provided, single submitter. Criteria: CeGaT Center For Human Genetics Tuebingen Variant Classification Criteria Version 2. Collection method: clinical testing. Allele origin: germline. Affected: yes. Observed: 1 variant allele.
Comment: CCDC22: BP4, BS2

Ambry Genetics
Classification: Uncertain significance. Last evaluated: 2021-09-01. Review status: criteria provided, single submitter. Criteria: Ambry Variant Classification Scheme 2023. Collection method: clinical testing. Allele origin: germline.

Genetic Services Laboratory, University of Chicago
Classification: Likely benign. Last evaluated: 2015-11-19. Review status: no assertion criteria provided. Collection method: clinical testing. Allele origin: germline. Affected: yes. Not counted in ClinVar's aggregate classification.

Clinical Genetics DNA and cytogenetics Diagnostics Lab, Erasmus MC, Erasmus Medical Center
Classification: Likely benign. Review status: no assertion criteria provided. Collection method: clinical testing. Allele origin: germline. Affected: yes. Study: VKGL Data-share Consensus. Not counted in ClinVar's aggregate classification.

Laboratory of Diagnostic Genome Analysis, Leiden University Medical Center (LUMC)
Classification: Likely benign. Review status: no assertion criteria provided. Collection method: clinical testing. Allele origin: germline. Affected: yes. Study: VKGL Data-share Consensus. Not counted in ClinVar's aggregate classification.